The following is an entry in ClinVar:

NM_020458.4(TTC7A):c.2312C>T (p.Ala771Val)

Gene: TTC7A (tetratricopeptide repeat domain 7A; plus strand). Cytogenetic location: 2p21.
Variant type: single nucleotide variant.
Coding change: c.2312C>T on transcript NM_020458.4 (MANE Select); coding-DNA position 2312, C replaced by T.
Protein change: p.Ala771Val; replaces alanine 771 with valine.
Molecular consequence: missense variant.
Genome position (GRCh38, 1-based): chr2:47,060,928, C>T. VCF-style: chr2-47060928-C-T. GRCh37 (hg19) VCF-style: chr2-47288067-C-T.
Other names: c.2384C>T, p.Ala795Val (NM_001288951.2); c.2210C>T, p.Ala737Val (NM_001288953.2); c.1250C>T, p.Ala417Val (NM_001288955.2); short protein forms A417V, A737V, A771V, A795V.
Identifiers: ClinVar variation 1053254 (VCV001053254.10), dbSNP rs538380438, ClinGen allele CA1648092.

ClinVar aggregate classification (germline): Uncertain significance. Review status: criteria provided, single submitter (1 of 4 stars). 3 submissions from 3 submitters: Uncertain significance (1). 2 of the submissions do not count toward it. Last evaluated 2021-08-31.

Conditions:
Multiple gastrointestinal atresias. Also called: FAMILIAL INTESTINAL POLYATRESIA SYNDROME; Multiple intestinal atresia. Identifiers: Orphanet 2300, MedGen C0220744, MONDO:0009465.

Allele frequency attached by ClinVar (database versions not stated): gnomAD 0.00001 and 0.00003; TOPMed 0.00002; gnomAD exomes 0.00003 and 0.00006; ExAC 0.00004; 1000 Genomes Project 30x 0.00016; 1000 Genomes Project 0.00020.
gnomAD v4.1: 90 of 1,614,056 alleles (0.0056%); highest among the groups gnomAD compares: Non-Finnish European, 0.0074%; no homozygotes.

Submissions (3):

Labcorp Genetics (formerly Invitae), Labcorp
Classification: Uncertain significance for Multiple gastrointestinal atresias. Last evaluated: 2021-08-31. Review status: criteria provided, single submitter. Criteria: Invitae Variant Classification Sherloc (09022015). Collection method: clinical testing. Allele origin: germline.
Comment: This sequence change replaces alanine with valine at codon 771 of the TTC7A protein (p.Ala771Val). The alanine residue is moderately conserved and there is a small physicochemical difference between alanine and valine. This variant is present in population databases (rs538380438, ExAC 0.01%). This variant has not been reported in the literature in individuals affected with TTC7A-related conditions. Algorithms developed to predict the effect of missense changes on protein structure and function are either unavailable or do not agree on the potential impact of this missense change (SIFT: "Tolerated"; PolyPhen-2: "Possibly Damaging"; Align-GVGD: "Class C0"). Algorithms developed to predict the effect of sequence changes on RNA splicing suggest that this variant may create or strengthen a splice site. In summary, the available evidence is currently insufficient to determine the role of this variant in disease. Therefore, it has been classified as a Variant of Uncertain Significance.

Clinical Genetics DNA and cytogenetics Diagnostics Lab, Erasmus MC, Erasmus Medical Center
Classification: Uncertain significance. Review status: no assertion criteria provided. Collection method: clinical testing. Allele origin: germline. Affected: yes. Study: VKGL Data-share Consensus. Not counted in ClinVar's aggregate classification.

Diagnostic Laboratory, Department of Genetics, University Medical Center Groningen
Classification: Uncertain significance. Review status: no assertion criteria provided. Collection method: clinical testing. Allele origin: germline. Affected: yes. Study: VKGL Data-share Consensus. Not counted in ClinVar's aggregate classification.